The following is an entry in ClinVar:

NM_000809.4(GABRA4):c.899C>T (p.Thr300Ile)

Gene: GABRA4 (gamma-aminobutyric acid type A receptor subunit alpha4; minus strand). Cytogenetic location: 4p12.
Variant type: single nucleotide variant.
Coding change: c.899C>T on transcript NM_000809.4 (MANE Select); coding-DNA position 899, C replaced by T.
Protein change: p.Thr300Ile; replaces threonine 300 with isoleucine.
Molecular consequence: missense variant.
Genome position (GRCh38, 1-based): chr4:46,965,205, G>A on the plus strand (C>T on the coding strand, the complement: GABRA4 is on the minus strand). VCF-style: chr4-46965205-G-A. GRCh37 (hg19) VCF-style: chr4-46967222-G-A.
Other names: c.842C>T, p.Thr281Ile (NM_001204266.2); c.689C>T, p.Thr230Ile (NM_001204267.2); short protein forms T300I, T230I, T281I.
Identifiers: ClinVar variation 2691736 (VCV002691736.9), dbSNP rs2475916759, ClinGen allele CA356769711.
Genomic context (GRCh38, chr4:46,965,205, plus strand): 5'-TCCATGGCGGTAGCATAGGACACTTTGGGCAAAGAATGTCGTGCACTGATGCTTAGTGTG[G>A]TCATGGTGAGGACAGTTGTTATTCCTTCAAAGCAAAAGAGCAGAGAGACAAAACACCTTA-3'
Protein context (NP_000800.2, residues 290-310): VFGITTVLTM[Thr300Ile]TLSISARHSL

ClinVar aggregate classification (germline): Pathogenic/Likely pathogenic. Review status: criteria provided, multiple submitters, no conflicts (2 of 4 stars). 3 submissions from 3 submitters: Pathogenic (1); Likely pathogenic (1). 1 of the submissions does not count toward it. Last evaluated 2025-11-20.

Conditions:
GABRA4-associated disorder.

Submissions (3):

GeneDx
Classification: Pathogenic. Last evaluated: 2025-11-20. Review status: criteria provided, single submitter. Criteria: GeneDx Variant Classification Process June 2021. Collection method: clinical testing. Allele origin: germline.
Comment: Published functional studies suggest an increased channel inactivation response compared to wild type and a possible gain-of-function effect (PMID: 35152403, 35781801); In silico analysis supports that this missense variant has a deleterious effect on protein structure/function; Not observed at significant frequency in large population cohorts (gnomAD); This variant is associated with the following publications: (PMID: 35781801, 35152403)

Institute of Human Genetics Munich, TUM University Hospital
Classification: Likely pathogenic for GABRA4-associated disorder. Last evaluated: 2024-01-05. Review status: criteria provided, single submitter. Criteria: Classification criteria August 2017. Collection method: clinical testing. Allele origin: de novo. Inheritance: Autosomal dominant inheritance. Affected: yes. Observed: 1 variant allele.

OMIM
Classification: Uncertain significance for VARIANT OF UNKNOWN SIGNIFICANCE. Last evaluated: 2024-01-24. Review status: no assertion criteria provided. Collection method: literature only. Allele origin: unknown. Not counted in ClinVar's aggregate classification.

Literature cited by the submitters: PubMed 35152403 (cited by OMIM); PubMed 35781801 (cited by OMIM).